The following is an entry in ClinVar:

NC_000015.10:g.84816892G>A

Gene: ALPK3 (alpha kinase 3; plus strand). Cytogenetic location: 15q25.3.
Variant type: single nucleotide variant.
Genome position: GRCh38 VCF-style: chr15-84816892-G-A. GRCh37 (hg19) VCF-style: chr15-85360123-G-A.
Identifiers: ClinVar variation 2023351 (VCV002023351.4), dbSNP rs2505687893, ClinGen allele CA393367922.

ClinVar aggregate classification (germline): Uncertain significance (1 of 4 stars; one submission).

Submission:

Labcorp Genetics (formerly Invitae), Labcorp
Classification: Uncertain significance. Last evaluated: 2022-07-08. Review status: criteria provided, single submitter. Criteria: Invitae Variant Classification Sherloc (09022015). Collection method: clinical testing. Allele origin: germline.
Comment: Algorithms developed to predict the effect of missense changes on protein structure and function are either unavailable or do not agree on the potential impact of this missense change (SIFT: "Deleterious"; PolyPhen-2: "Benign"; Align-GVGD: "Class C0"). In summary, the available evidence is currently insufficient to determine the role of this variant in disease. Therefore, it has been classified as a Variant of Uncertain Significance. This variant has not been reported in the literature in individuals affected with ALPK3-related conditions. This variant is not present in population databases (gnomAD no frequency). This sequence change replaces alanine, which is neutral and non-polar, with threonine, which is neutral and polar, at codon 16 of the ALPK3 protein (p.Ala16Thr).